The following is an entry in ClinVar:

ClinVar aggregate classification (germline): Pathogenic (1 of 4 stars; one submission).

Conditions:
Neurofibromatosis, type 1 (NF1). Also called: Peripheral type neurofibromatosis; NEUROFIBROMATOSIS, TYPE I, SOMATIC; Neurofibromatosis, type I; VON RECKLINGHAUSEN DISEASE. Identifiers: Orphanet 636, MedGen C0027831, MONDO:0018975, OMIM 162200. Disease mechanism: loss of function.

Submission:

Labcorp Genetics (formerly Invitae), Labcorp
Classification: Pathogenic for Neurofibromatosis, type 1. Last evaluated: 2023-04-02. Review status: criteria provided, single submitter. Criteria: Invitae Variant Classification Sherloc (09022015). Collection method: clinical testing. Allele origin: germline.
Comment: This sequence change falls in intron 45 of the NF1 gene. It does not directly change the encoded amino acid sequence of the NF1 protein. RNA analysis indicates that this variant induces altered splicing and likely results in a shortened protein product. This variant is not present in population databases (gnomAD no frequency). This variant has been observed in individual(s) with neurofibromatosis type 1 (PMID: 31766501). Variants that disrupt the consensus splice site are a relatively common cause of aberrant splicing (PMID: 17576681, 9536098). Studies have shown that this variant results in skipping of exon 45, but is expected to preserve the integrity of the reading-frame (PMID: 31766501). This variant disrupts a region of the NF1 protein in which other variant(s) (p.Thr2273_Gln2281del) have been determined to be pathogenic (Invitae). This suggests that this is a clinically significant region of the protein, and that variants that disrupt it are likely to be disease-causing. For these reasons, this variant has been classified as Pathogenic.

Literature cited by the submitters: PubMed 31766501; PubMed 17576681; PubMed 9536098.

NM_001042492.3(NF1):c.6921+3A>T

Gene: NF1 (neurofibromin 1; plus strand). Cytogenetic location: 17q11.2.
Variant type: single nucleotide variant.
Coding change: c.6921+3A>T on transcript NM_001042492.3 (MANE Select); 3 bases into the intron after coding-DNA position 6921, A replaced by T.
Molecular consequence: intron variant.
Genome position (GRCh38, 1-based): chr17:31,338,808, A>T. VCF-style: chr17-31338808-A-T. GRCh37 (hg19) VCF-style: chr17-29665826-A-T.
Other names: c.6858+3A>T (NM_000267.4).
Identifiers: ClinVar variation 2972860 (VCV002972860.3), dbSNP rs1085307885, ClinGen allele CA2695225192.